The following is an entry in ClinVar:

ClinVar aggregate classification (germline): Uncertain significance (1 of 4 stars; one submission).

Submission:

Ambry Genetics
Classification: Uncertain significance. Last evaluated: 2023-10-27. Review status: criteria provided, single submitter. Criteria: Ambry Variant Classification Scheme 2023. Collection method: clinical testing. Allele origin: germline.
Comment: The p.S449P variant (also known as c.1345T>C), located in coding exon 12 of the RAD54L gene, results from a T to C substitution at nucleotide position 1345. The serine at codon 449 is replaced by proline, an amino acid with similar properties. This amino acid position is conserved. In addition, this alteration is predicted to be deleterious by in silico analysis. Since supporting evidence is limited at this time, the clinical significance of this alteration remains unclear.

NM_003579.4(RAD54L):c.1345T>C (p.Ser449Pro)

Gene: RAD54L (RAD54 like; plus strand). Cytogenetic location: 1p34.1.
Variant type: single nucleotide variant.
Coding change: c.1345T>C on transcript NM_003579.4 (MANE Select); coding-DNA position 1345, T replaced by C.
Protein change: p.Ser449Pro; replaces serine 449 with proline.
Molecular consequence: missense variant.
Genome position (GRCh38, 1-based): chr1:46,272,772, T>C. VCF-style: chr1-46272772-T-C. GRCh37 (hg19) VCF-style: chr1-46738444-T-C.
Other names: c.1345T>C, p.Ser449Pro (NM_001142548.2); c.805T>C, p.Ser269Pro (NM_001370766.1); short protein forms S269P, S449P.
Identifiers: ClinVar variation 3223406 (VCV003223406.1), dbSNP rs2525708362, ClinGen allele CA340179783.